The following is an entry in ClinVar:

ClinVar aggregate classification (germline): Pathogenic (1 of 4 stars; one submission).

Submission:

CeGaT Center for Human Genetics Tuebingen
Classification: Pathogenic. Last evaluated: 2025-12-01. Review status: criteria provided, single submitter. Criteria: CeGaT Center For Human Genetics Tuebingen Variant Classification Criteria Version 2. Collection method: clinical testing. Allele origin: germline. Affected: yes. Observed: 1 variant allele.
Comment: DOCK2: PVS1, PM2

NM_004946.3(DOCK2):c.2037_2041del (p.Ile680fs)

Gene: DOCK2 (dedicator of cytokinesis 2; plus strand). Cytogenetic location: 5q35.1.
Variant type: Deletion.
Coding change: c.2037_2041del on transcript NM_004946.3 (MANE Select); coding-DNA positions 2037 to 2041, 5 bases deleted (CATAA; older notation c.2037_2041delCATAA).
Protein change: p.Ile680fs; shifts the reading frame from isoleucine 680.
Molecular consequence: frameshift variant. On other transcripts: non-coding transcript variant (1).
Genome position (GRCh38, 1-based): chr5:169,717,389-169,717,393, CATAA deleted; deleting any 5 consecutive bases within chr5:169,717,388-169,717,393 gives the same sequence; the c. name uses the placement nearest the transcript's 3' end. VCF-style (leftmost placement, unchanged base first): chr5-169717387-TACATA-T. GRCh37 (hg19) VCF-style: chr5-169144391-TACATA-T.
Other names: short protein forms I680fs.
Identifiers: ClinVar variation 4682080 (VCV004682080.5).